The following is an entry in ClinVar:

NM_032383.5(HPS3):c.1213G>C (p.Glu405Gln)

Gene: HPS3 (HPS3 biogenesis of lysosomal organelles complex 2 subunit 1; plus strand). Cytogenetic location: 3q24.
Variant type: single nucleotide variant.
Coding change: c.1213G>C on transcript NM_032383.5 (MANE Select); coding-DNA position 1213, G replaced by C.
Protein change: p.Glu405Gln; replaces glutamic acid 405 with glutamine.
Molecular consequence: missense variant.
Genome position (GRCh38, 1-based): chr3:149,150,648, G>C. VCF-style: chr3-149150648-G-C. GRCh37 (hg19) VCF-style: chr3-148868435-G-C.
Other names: c.718G>C, p.Glu240Gln (NM_001308258.2); short protein forms E405Q, E240Q.
Identifiers: ClinVar variation 2080973 (VCV002080973.4), dbSNP rs2473093040, ClinGen allele CA354917159.

ClinVar aggregate classification (germline): Uncertain significance (1 of 4 stars; one submission).

Submission:

Labcorp Genetics (formerly Invitae), Labcorp
Classification: Uncertain significance. Last evaluated: 2022-06-22. Review status: criteria provided, single submitter. Criteria: Invitae Variant Classification Sherloc (09022015). Collection method: clinical testing. Allele origin: germline.
Comment: This variant has not been reported in the literature in individuals affected with HPS3-related conditions. This sequence change replaces glutamic acid, which is acidic and polar, with glutamine, which is neutral and polar, at codon 405 of the HPS3 protein (p.Glu405Gln). This variant is not present in population databases (gnomAD no frequency). Algorithms developed to predict the effect of missense changes on protein structure and function (SIFT, PolyPhen-2, Align-GVGD) all suggest that this variant is likely to be tolerated. In summary, the available evidence is currently insufficient to determine the role of this variant in disease. Therefore, it has been classified as a Variant of Uncertain Significance.